The following is an entry in ClinVar:

NM_000353.3(TAT):c.1293C>A (p.Cys431Ter)

Genes: TAT (tyrosine aminotransferase; minus strand), TAT-AS1 (TAT antisense RNA 1; plus strand). Cytogenetic location: 16q22.2.
Variant type: single nucleotide variant.
Coding change: c.1293C>A on transcript NM_000353.3 (MANE Select); coding-DNA position 1293, C replaced by A.
Protein change: p.Cys431Ter; replaces cysteine 431 with a stop codon.
Molecular consequence: nonsense.
Genome position (GRCh38, 1-based): chr16:71,568,216, G>T on the plus strand (C>A on the coding strand, the complement: TAT is on the minus strand). VCF-style: chr16-71568216-G-T. GRCh37 (hg19) VCF-style: chr16-71602119-G-T.
Other names: short protein forms C431*.
Identifiers: ClinVar variation 5004886 (VCV005004886.1).
Genomic context (GRCh38, chr16:71,568,216, plus strand): 5'-CTCCTCCTGGCTGCCTTCAGCACAATGGTAGTGCTGCTCACAGAACTCCTGGATCCGGCT[G>T]CACGCCTCCAGCATCATCACCTCGGGGACTGTGATGACCACTCGGATGAAATTCGGGTAC-3'

ClinVar aggregate classification (germline): Uncertain significance (1 of 4 stars; one submission).

Conditions:
Tyrosinemia type II (TYRSN2). Also called: TYROSINE AMINOTRANSFERASE DEFICIENCY; TYROSINE TRANSAMINASE DEFICIENCY; KERATOSIS PALMOPLANTARIS WITH CORNEAL DYSTROPHY; OREGON TYPE TYROSINEMIA; TAT DEFICIENCY. Identifiers: Orphanet 28378, MedGen C0268487, MONDO:0010160, OMIM 276600.

Submission:

Myriad Genetics, Inc.
Classification: Uncertain significance for Tyrosinemia type II. Last evaluated: 2026-09-02. Review status: criteria provided, single submitter. Criteria: Myriad Autosomal Dominant, Autosomal Recessive and X-Linked Classification Criteria (2023). Collection method: clinical testing. Allele origin: unknown.
Comment: NM_000353.2(TAT):c.1293C>A(C431*) is a nonsense variant classified as a variant of uncertain significance in the context of tyrosinemia type II. C431* has not been observed in cases with relevant disease. Relevant functional assessments of this variant are not available in the literature. C431* has not been observed in referenced population frequency databases. In summary, there is insufficient evidence to classify NM_000353.2(TAT):c.1293C>A(C431*) as pathogenic or benign. Please note: this variant was assessed in the context of healthy population screening.